The following is an entry in ClinVar:

NM_052947.4(ALPK2):c.3751C>G (p.Pro1251Ala)

Genes: ALPK2 (alpha kinase 2; minus strand), LOC126862764 (BRD4-independent group 4 enhancer GRCh37_chr18:56202574-56203773; plus strand). Cytogenetic location: 18q21.31.
Variant type: single nucleotide variant.
Coding change: c.3751C>G on transcript NM_052947.4 (MANE Select); coding-DNA position 3751, C replaced by G.
Protein change: p.Pro1251Ala; replaces proline 1251 with alanine.
Molecular consequence: missense variant.
Genome position (GRCh38, 1-based): chr18:58,536,436, G>C on the plus strand (C>G on the coding strand, the complement: ALPK2 is on the minus strand). VCF-style: chr18-58536436-G-C. GRCh37 (hg19) VCF-style: chr18-56203668-G-C.
Other names: short protein forms P1251A.
Identifiers: ClinVar variation 2626041 (VCV002626041.2), dbSNP rs2518876022, ClinGen allele CA402565776.

ClinVar aggregate classification (germline): Uncertain significance (1 of 4 stars; one submission).

Submission:

Ambry Genetics
Classification: Uncertain significance. Last evaluated: 2023-09-01. Review status: criteria provided, single submitter. Criteria: Ambry Variant Classification Scheme 2023. Collection method: clinical testing. Allele origin: germline.
Comment: The p.P1251A variant (also known as c.3751C>G), located in coding exon 4 of the ALPK2 gene, results from a C to G substitution at nucleotide position 3751. The proline at codon 1251 is replaced by alanine, an amino acid with highly similar properties. This amino acid position is conserved. In addition, this alteration is predicted to be tolerated by in silico analysis. Since supporting evidence is limited at this time, the clinical significance of this alteration remains unclear.